The following is an entry in ClinVar:

NM_001349.4(DARS1):c.1088G>A (p.Gly363Glu)

Gene: DARS1 (aspartyl-tRNA synthetase 1; minus strand). Cytogenetic location: 2q21.3.
Variant type: single nucleotide variant.
Coding change: c.1088G>A on transcript NM_001349.4 (MANE Select); coding-DNA position 1088, G replaced by A.
Protein change: p.Gly363Glu; replaces glycine 363 with glutamic acid.
Molecular consequence: missense variant.
Genome position (GRCh38, 1-based): chr2:135,916,244, C>T on the plus strand (G>A on the coding strand, the complement: DARS1 is on the minus strand). VCF-style: chr2-135916244-C-T. GRCh37 (hg19) VCF-style: chr2-136673814-C-T.
Other names: c.1088G>A (NM_001349.3); c.788G>A, p.Gly263Glu (NM_001293312.1); short protein forms G363E, G263E.
Identifiers: ClinVar variation 449875 (VCV000449875.13), dbSNP rs2228660, ClinGen allele CA1889592.

ClinVar aggregate classification (germline): Conflicting classifications of pathogenicity. Review status: criteria provided, conflicting classifications (1 of 4 stars). 4 submissions from 4 submitters: Uncertain significance (2); Likely benign (1). 1 of the submissions does not count toward it. Last evaluated 2025-11-27.

Conditions:
DARS1-related disorder. Also called: DARS1-related condition.

Allele frequency attached by ClinVar (database versions not stated): gnomAD exomes 0.00012 and 0.00031; ExAC 0.00048; 1000 Genomes Project 0.00100; gnomAD 0.00111 and 0.00113; ESP Exome Variant Server 0.00131; TOPMed 0.00133; 1000 Genomes Project 30x 0.00141.

Submissions (4):

Labcorp Genetics (formerly Invitae), Labcorp
Classification: Likely benign. Last evaluated: 2025-11-27. Review status: criteria provided, single submitter. Criteria: Invitae Variant Classification Sherloc (09022015). Collection method: clinical testing. Allele origin: germline.

Blueprint Genetics
Classification: Uncertain significance. Last evaluated: 2024-10-07. Review status: criteria provided, single submitter. Criteria: ACMG Guidelines, 2015. Collection method: clinical testing. Allele origin: germline.

GeneDx
Classification: Uncertain significance. Last evaluated: 2017-10-19. Review status: criteria provided, single submitter. Criteria: GeneDx Variant Classification (06012015). Collection method: clinical testing. Allele origin: germline. Affected: yes.
Comment: The G363E variant has been detected by whole exome sequencing as homozygous in an individual with multiple congenital anomalies who also had maternal uniparental disomy of chromosome 2 (Carmichael et al., 2013). The G363E variant is observed in 99/24,016 (0.4%) alleles from individuals of African background, in large population cohorts, although no homozygous individuals were reported (Lek et al., 2016). The G363E variant is a non-conservative amino acid substitution, which is likely to impact secondary protein structure as these residues differ in polarity, charge, size and/or other properties. This substitution occurs at a position that is not conserved. In silico analysis predicts this variant is probably damaging to the protein structure/function. In summary, based on the currently available information, it is unclear whether this variant is a pathogenic variant or a rare benign variant.

PreventionGenetics, part of Exact Sciences
Classification: Likely benign for DARS1-related condition. Last evaluated: 2022-06-01. Review status: no assertion criteria provided. Collection method: clinical testing. Allele origin: germline. Not counted in ClinVar's aggregate classification.
Comment: This variant is classified as likely benign based on ACMG/AMP sequence variant interpretation guidelines (Richards et al. 2015 PMID: 25741868, with internal and published modifications).